The following is an entry in ClinVar:

ClinVar aggregate classification (germline): Pathogenic/Likely pathogenic. Review status: criteria provided, multiple submitters, no conflicts (2 of 4 stars). 2 submissions from 2 submitters: Pathogenic (1); Likely pathogenic (1). Last evaluated 2025-10-15.

Conditions:
Familial adenomatous polyposis 1 (FAP1). Also called: FAMILIAL ADENOMATOUS POLYPOSIS 1, ATTENUATED; POLYPOSIS, ADENOMATOUS INTESTINAL. Identifiers: MedGen C2713442, MONDO:0021056, OMIM 175100. Disease mechanism: loss of function.

Submissions (2):

Labcorp Genetics (formerly Invitae), Labcorp
Classification: Pathogenic for Familial adenomatous polyposis 1. Last evaluated: 2025-10-15. Review status: criteria provided, single submitter. Criteria: Invitae Variant Classification Sherloc (09022015). Collection method: clinical testing. Allele origin: germline.
Comment: This sequence change creates a premature translational stop signal (p.His913Cysfs*4) in the APC gene. While this is not anticipated to result in nonsense mediated decay, it is expected to disrupt the last 1931 amino acid(s) of the APC protein. This variant is not present in population databases (gnomAD no frequency). This variant has not been reported in the literature in individuals affected with APC-related conditions. A different truncation (p.Tyr2645Lysfs*14) that lies downstream of this variant has been determined to be pathogenic (PMID: 9824584, 1316610, 27081525, 8381579, 22135120, internal data). This suggests that deletion of this region of the APC protein is causative of disease. This variant is expected to disrupt the EB1 and HDLG binding sites, which mediate interactions with the cytoskeleton (PMID: 15311282, 17293347). While functional studies have not been performed to directly test the effect on APC protein function, this suggests that disruption of the C-terminal portion of the protein is functionally important. For these reasons, this variant has been classified as Pathogenic.

Institute for Genomic Medicine (IGM) Clinical Laboratory, Nationwide Children's Hospital
Classification: Likely pathogenic for Familial adenomatous polyposis 1. Last evaluated: 2025-10-03. Review status: criteria provided, single submitter. Criteria: ACMG Guidelines, 2015. Collection method: clinical testing. Allele origin: germline.
Comment: This variant is predicted to result in loss of function through nonsense-mediated decay of the encoded transcript or premature truncation of the encoded protein in a gene in which loss of function is a known mechanism of disease (ACMG/AMP: PVS1; PMIDs:8594558, 11257105). This variant is absent from or present at an exceedingly low frequency in gnomAD, a large-scale control population database (ACMG/AMP: PM2).

Literature cited by the submitters: PubMed 9824584 (cited by Labcorp Genetics (formerly Invitae), Labcorp); PubMed 1316610 (cited by Labcorp Genetics (formerly Invitae), Labcorp); PubMed 27081525 (cited by Labcorp Genetics (formerly Invitae), Labcorp); PubMed 8381579 (cited by Labcorp Genetics (formerly Invitae), Labcorp); PubMed 22135120 (cited by Labcorp Genetics (formerly Invitae), Labcorp); PubMed 15311282 (cited by Labcorp Genetics (formerly Invitae), Labcorp); PubMed 17293347 (cited by Labcorp Genetics (formerly Invitae), Labcorp); PubMed 8594558 (cited by Institute for Genomic Medicine (IGM) Clinical Laboratory, Nationwide Children's Hospital); PubMed 11257105 (cited by Institute for Genomic Medicine (IGM) Clinical Laboratory, Nationwide Children's Hospital).

NM_000038.6(APC):c.2736_2740del (p.His913fs)

Gene: APC (APC regulator of Wnt signaling pathway; plus strand). Cytogenetic location: 5q22.2.
Variant type: Deletion.
Coding change: c.2736_2740del on transcript NM_000038.6 (MANE Select); coding-DNA positions 2736 to 2740, 5 bases deleted (ACATT; older notation c.2736_2740delACATT).
Protein change: p.His913fs; shifts the reading frame from histidine 913.
Molecular consequence: frameshift variant. On other transcripts: non-coding transcript variant (2).
Genome position (GRCh38, 1-based): chr5:112,838,330-112,838,334, ACATT deleted; deleting any 5 consecutive bases within chr5:112,838,327-112,838,334 gives the same sequence; the c. name uses the placement nearest the transcript's 3' end. VCF-style (leftmost placement, unchanged base first): chr5-112838326-AATTAC-A. GRCh37 (hg19) VCF-style: chr5-112174023-AATTAC-A.
Other names: c.2433_2437del, p.His812fs (NM_001354903.2, NM_001407458.1, NM_001407459.1 and 1 more transcripts); c.2358_2362del, p.His787fs (NM_001354904.2); c.2256_2260del, p.His753fs (NM_001354905.2); c.1887_1891del, p.His630fs (NM_001354906.2, NM_001407470.1); c.2820_2824del, p.His941fs (NM_001407446.1); c.2790_2794del, p.His931fs (NM_001407447.1, NM_001407448.1, NM_001407449.1 and 1 more transcripts); c.2559_2563del, p.His854fs (NM_001407453.1, NM_001354901.2); c.2487_2491del, p.His830fs (NM_001407454.1, NM_001407455.1, NM_001407456.1 and 1 more transcripts); and 11 more; short protein forms H529fs, H787fs, H630fs, H753fs, H872fs, H888fs, H913fs, H931fs.
Identifiers: ClinVar variation 4729285 (VCV004729285.1).
Genomic context (GRCh38, chr5:112,838,326, plus strand): 5'-TGGAAGAAGTGTCAGCCATTCATACCTCTCAGGAAGACAGAAGTTCTGGGTCTACCACTG[AATTAC>A]ATTGTGTGACAGATGAGAGAAATGCACTTAGAAGAAGCTCTGCTGCCCATACACATTCAA-3'